The following is an entry in ClinVar:

NM_080860.4(RSPH1):c.680dup (p.Pro228fs)

Gene: RSPH1 (radial spoke head component 1; minus strand). Cytogenetic location: 21q22.3.
Variant type: Duplication.
Coding change: c.680dup on transcript NM_080860.4 (MANE Select); coding-DNA position 680, one base duplicated (A; older notation c.680dupA).
Protein change: p.Pro228fs; shifts the reading frame from proline 228.
Molecular consequence: frameshift variant.
Genome position (GRCh38, 1-based): chr21:42,477,338, T duplicated on the plus strand (A on the coding strand, the reverse complement: RSPH1 is on the minus strand); the first of 5 consecutive T bases (chr21:42,477,338-42,477,342); duplicating any one gives the same sequence. VCF-style (leftmost placement, unchanged base first): chr21-42477337-C-CT. GRCh37 (hg19) VCF-style: chr21-43897447-C-CT.
Other names: c.566dup, p.Pro190fs (NM_001286506.2); c.680dupA (NM_080860.3); short protein forms P228fs, P190fs.
Identifiers: ClinVar variation 454946 (VCV000454946.10), dbSNP rs556286752, ClinGen allele CA10043837.

ClinVar aggregate classification (germline): Pathogenic/Likely pathogenic. Review status: criteria provided, multiple submitters, no conflicts (2 of 4 stars). 2 submissions from 2 submitters: Pathogenic (1); Likely pathogenic (1). Last evaluated 2023-07-17.

Conditions:
RSPH1-related disorder. Also called: RSPH1-related condition.
Primary ciliary dyskinesia. Also called: Ciliary dyskinesia. Identifiers: Orphanet 244, MedGen C0008780, MONDO:0016575, HP:0012265.

Submissions (2):

Labcorp Genetics (formerly Invitae), Labcorp
Classification: Pathogenic for Primary ciliary dyskinesia. Last evaluated: 2023-07-17. Review status: criteria provided, single submitter. Criteria: Invitae Variant Classification Sherloc (09022015). Collection method: clinical testing. Allele origin: germline.
Comment: For these reasons, this variant has been classified as Pathogenic. ClinVar contains an entry for this variant (Variation ID: 454946). This variant has not been reported in the literature in individuals affected with RSPH1-related conditions. This variant is present in population databases (rs556286752, gnomAD 0.01%). This sequence change creates a premature translational stop signal (p.Pro228Alafs*15) in the RSPH1 gene. It is expected to result in an absent or disrupted protein product. Loss-of-function variants in RSPH1 are known to be pathogenic (PMID: 23993197).

Blueprint Genetics
Classification: Likely pathogenic for RSPH1-related disorders. Last evaluated: 2018-12-05. Review status: criteria provided, single submitter. Criteria: ACMG Guidelines, 2015. Collection method: clinical testing. Allele origin: germline. Affected: yes. Observed: 2 variant alleles.

Literature cited by the submitters: PubMed 23993197 (cited by Labcorp Genetics (formerly Invitae), Labcorp).